The following is an entry in ClinVar:

ClinVar aggregate classification (germline): Uncertain significance (1 of 4 stars; one submission).

Conditions:
Familial sleep-related hypermotor epilepsy. Also called: Autosomal Dominant Sleep-Related Hypermotor (Hyperkinetic) Epilepsy. Identifiers: Orphanet 98784, MedGen C3696898, MONDO:0000030.

Submission:

Labcorp Genetics (formerly Invitae), Labcorp
Classification: Uncertain significance. Last evaluated: 2024-06-26. Review status: criteria provided, single submitter. Criteria: Invitae Variant Classification Sherloc (09022015). Collection method: clinical testing. Allele origin: germline.
Comment: This sequence change replaces proline, which is neutral and non-polar, with serine, which is neutral and polar, at codon 7 of the CHRNB2 protein (p.Pro7Ser). This variant is not present in population databases (gnomAD no frequency). This variant has not been reported in the literature in individuals affected with CHRNB2-related conditions. Advanced modeling of protein sequence and biophysical properties (such as structural, functional, and spatial information, amino acid conservation, physicochemical variation, residue mobility, and thermodynamic stability) performed at Invitae indicates that this missense variant is not expected to disrupt CHRNB2 protein function with a negative predictive value of 95%. In summary, the available evidence is currently insufficient to determine the role of this variant in disease. Therefore, it has been classified as a Variant of Uncertain Significance.

NM_000748.3(CHRNB2):c.19C>T (p.Pro7Ser)

Genes: CHRNB2 (cholinergic receptor nicotinic beta 2 subunit; plus strand), LOC129931511 (ATAC-STARR-seq lymphoblastoid silent region 1363; plus strand). Cytogenetic location: 1q21.3.
Variant type: single nucleotide variant.
Coding change: c.19C>T on transcript NM_000748.3 (MANE Select); coding-DNA position 19, C replaced by T.
Protein change: p.Pro7Ser; replaces proline 7 with serine.
Molecular consequence: missense variant.
Genome position (GRCh38, 1-based): chr1:154,568,063, C>T. VCF-style: chr1-154568063-C-T. GRCh37 (hg19) VCF-style: chr1-154540539-C-T.
Other names: short protein forms P7S.
Identifiers: ClinVar variation 3633610 (VCV003633610.2).